The following is an entry in ClinVar:

ClinVar aggregate classification (germline): Uncertain significance. Review status: criteria provided, single submitter (1 of 4 stars). 2 submissions from 2 submitters: Uncertain significance (1). 1 of the submissions does not count toward it. Last evaluated 2026-01-26.

Conditions:
Prostate cancer. Also called: Malignant tumor of prostate. Identifiers: Orphanet 1331, MedGen C0376358, MONDO:0008315, HP:0012125.

Submissions (2):

GeneDx
Classification: Uncertain significance. Last evaluated: 2026-01-26. Review status: criteria provided, single submitter. Criteria: GeneDx Variant Classification Process June 2021. Collection method: clinical testing. Allele origin: germline.
Comment: Not observed at significant frequency in large population cohorts (gnomAD); In silico analysis supports that this missense variant has a deleterious effect on protein structure/function; Has not been previously published as pathogenic or benign to our knowledge; This variant is associated with the following publications: (PMID: 23265383)

Science for Life laboratory,  Karolinska Institutet
Classification: Uncertain significance for Malignant tumor of prostate. Review status: no assertion criteria provided. Collection method: not provided. Allele origin: somatic. Not counted in ClinVar's aggregate classification.
Comment: TumorID:SWE-90B
ClinVar note: Converted during submission from Unknown to Uncertain significance.

NM_001348323.3(TRIP12):c.850C>A (p.Pro284Thr)

Gene: TRIP12 (thyroid hormone receptor interactor 12; minus strand). Cytogenetic location: 2q36.3.
Variant type: single nucleotide variant.
Coding change: c.850C>A on transcript NM_001348323.3 (MANE Select); coding-DNA position 850, C replaced by A.
Protein change: p.Pro284Thr; replaces proline 284 with threonine.
Molecular consequence: missense variant. On other transcripts: intron variant (1).
Genome position (GRCh38, 1-based): chr2:229,858,949, G>T on the plus strand (C>A on the coding strand, the complement: TRIP12 is on the minus strand). VCF-style: chr2-229858949-G-T. GRCh37 (hg19) VCF-style: chr2-230723665-G-T.
Other names: c.850C>A, p.Pro284Thr (NM_001284214.2, NM_001348315.2, NM_001348319.1 and 15 more transcripts); c.724C>A, p.Pro242Thr (NM_001284215.2, NM_001348316.2, NM_001348317.1 and 3 more transcripts); c.98+21033C>A (NM_001284216.2); c.724C>A (NM_004238.2); short protein forms P242T, P284T.
Identifiers: ClinVar variation 161621 (VCV000161621.3), dbSNP rs193921087, ClinGen allele CA174470.